The following is an entry in ClinVar:

ClinVar aggregate classification (germline): Pathogenic (1 of 4 stars; one submission).

Conditions:
Leber congenital amaurosis 6 (LCA6). Identifiers: Orphanet 65, MedGen C1854260, MONDO:0013446, OMIM 613826.
Cone-rod dystrophy 13 (CORD13). Identifiers: Orphanet 1872, MedGen C2750720, MONDO:0011987, OMIM 608194.

Submission:

Labcorp Genetics (formerly Invitae), Labcorp
Classification: Pathogenic for Leber congenital amaurosis 6; Cone-rod dystrophy 13. Last evaluated: 2022-04-08. Review status: criteria provided, single submitter. Criteria: Invitae Variant Classification Sherloc (09022015). Collection method: clinical testing. Allele origin: germline.
Comment: This variant results in a copy number gain of the genomic region encompassing exon(s) 2 of the RPGRIP1 gene. While the exact position of this variant cannot be determined from the data, sub-genic copy number gains are generally in tandem (PMID: 25640679). This variant is predicted to be out-of-frame, and may result in an absent or disrupted protein product. Loss-of-function variants in RPGRIP1 are known to be pathogenic (PMID: 11528500, 23105016). A similar copy number variant has been observed in individual(s) with inherited retinal dystrophy (PMID: 30072743). In at least one individual the data is consistent with being in trans (on the opposite chromosome) from a pathogenic variant. It has also been observed to segregate with disease in related individuals. For these reasons, this variant has been classified as Pathogenic.

Literature cited by the submitters: PubMed 25640679; PubMed 11528500; PubMed 23105016; PubMed 30072743.

NC_000014.8:g.(?_21762816)_(21762988_?)dup

Gene: RPGRIP1 (RPGR interacting protein 1; plus strand). Cytogenetic location: 14q11.2.
Variant type: Duplication.
Identifiers: ClinVar variation 2426544 (VCV002426544.4).